The following is an entry in ClinVar:

ClinVar aggregate classification (germline): Uncertain significance. Review status: criteria provided, multiple submitters, no conflicts (2 of 4 stars). 5 submissions from 5 submitters: Uncertain significance (5). Last evaluated 2026-03-08.

Conditions:
Hereditary cancer-predisposing syndrome. Also called: Tumor predisposition; Hereditary Cancer Syndrome; Neoplastic Syndromes, Hereditary; Hereditary neoplastic syndrome. Identifiers: Orphanet 140162, MedGen C0027672, MeSH D009386, MONDO:0015356.
Breast-ovarian cancer, familial, susceptibility to, 4. Identifiers: Orphanet 145, MedGen C3280345, MONDO:0013669, OMIM 614291.

Submissions (5):

Ambry Genetics
Classification: Uncertain significance for Hereditary cancer-predisposing syndrome. Last evaluated: 2026-03-08. Review status: criteria provided, single submitter. Criteria: Ambry Variant Classification Scheme 2023. Collection method: clinical testing. Allele origin: germline.
Comment: The c.726C>T variant (also known as p.G242G), located in coding exon 8 of the RAD51D gene, results from a C to T substitution at nucleotide position 726. This nucleotide substitution does not change the amino acid at codon 242. This nucleotide position is not well conserved in available vertebrate species. In silico splice site analysis predicts that this alteration may weaken the native splice donor site and will result in the creation or strengthening of a novel splice donor site; however, direct evidence is insufficient at this time (Ambry internal data). Based on the available evidence, the clinical significance of this variant remains unclear.

Labcorp Genetics (formerly Invitae), Labcorp
Classification: Uncertain significance for Breast-ovarian cancer, familial, susceptibility to, 4. Last evaluated: 2025-03-18. Review status: criteria provided, single submitter. Criteria: Invitae Variant Classification Sherloc (09022015). Collection method: clinical testing. Allele origin: germline.
Comment: This sequence change affects codon 242 of the RAD51D mRNA. It is a 'silent' change, meaning that it does not change the encoded amino acid sequence of the RAD51D protein. This variant is not present in population databases (gnomAD no frequency). This variant has not been reported in the literature in individuals affected with RAD51D-related conditions. ClinVar contains an entry for this variant (Variation ID: 480527). Algorithms developed to predict the effect of sequence changes on RNA splicing suggest that this variant may disrupt the consensus splice site. In summary, the available evidence is currently insufficient to determine the role of this variant in disease. Therefore, it has been classified as a Variant of Uncertain Significance.

Quest Diagnostics Nichols Institute San Juan Capistrano
Classification: Uncertain significance. Last evaluated: 2025-02-26. Review status: criteria provided, single submitter. Criteria: Quest Diagnostics criteria. Collection method: clinical testing. Allele origin: unknown.
Comment: The RAD51D c.726C>T (p.Gly242=) synonymous variant has not been reported in individuals with RAD51D-related conditions in the published literature. It also has not been reported in large, multi-ethnic general populations (Genome Aggregation Database). Analysis of this variant using software algorithms for the prediction of the effect of nucleotide changes on RAD51D mRNA splicing yielded predictions that this variant may result in the gain of a cryptic splice site without affecting the natural splice sites. Based on the available information, we are unable to determine the clinical significance of this variant.

Baylor Genetics
Classification: Uncertain significance for Breast-ovarian cancer, familial, susceptibility to, 4. Last evaluated: 2023-11-14. Review status: criteria provided, single submitter. Criteria: ACMG Guidelines, 2015. Collection method: clinical testing. Allele origin: unknown.

GeneDx
Classification: Uncertain significance. Last evaluated: 2023-06-21. Review status: criteria provided, single submitter. Criteria: GeneDx Variant Classification Process June 2021. Collection method: clinical testing. Allele origin: germline. Affected: yes.
Comment: Not observed at significant frequency in large population cohorts (gnomAD); In silico analysis supports a deleterious effect on splicing; Has not been previously published as pathogenic or benign to our knowledge

NM_002878.4(RAD51D):c.726C>T (p.Gly242=)

Genes: RAD51D (RAD51 paralog D; minus strand), RAD51L3-RFFL (RAD51L3-RFFL readthrough; minus strand). Cytogenetic location: 17q12.
Variant type: single nucleotide variant.
Coding change: c.726C>T on transcript NM_002878.4 (MANE Select); coding-DNA position 726, C replaced by T.
Protein change: p.Gly242=; no amino-acid change (glycine 242 retained).
Molecular consequence: synonymous variant. On other transcripts: non-coding transcript variant (3).
Genome position (GRCh38, 1-based): chr17:35,103,266, G>A on the plus strand (C>T on the coding strand, the complement: RAD51D is on the minus strand). VCF-style: chr17-35103266-G-A. GRCh37 (hg19) VCF-style: chr17-33430285-G-A.
Other names: c.786C>T, p.Gly262= (NM_001142571.2); c.390C>T, p.Gly130= (NM_133629.3).
Identifiers: ClinVar variation 480527 (VCV000480527.14), dbSNP rs1555567496, ClinGen allele CA499730284.